The following is an entry in ClinVar:

NM_014339.7(IL17RA):c.106C>G (p.Leu36Val)

Gene: IL17RA (interleukin 17 receptor A; plus strand). Cytogenetic location: 22q11.1.
Variant type: single nucleotide variant.
Coding change: c.106C>G on transcript NM_014339.7 (MANE Select); coding-DNA position 106, C replaced by G.
Protein change: p.Leu36Val; replaces leucine 36 with valine.
Molecular consequence: missense variant.
Genome position (GRCh38, 1-based): chr22:17,085,197, C>G. VCF-style: chr22-17085197-C-G. GRCh37 (hg19) VCF-style: chr22-17566087-C-G.
Other names: c.106C>G (NM_014339.5); c.106C>G, p.Leu36Val (NM_001289905.2); short protein forms L36V.
Identifiers: ClinVar variation 1044680 (VCV001044680.9), dbSNP rs2061321959, ClinGen allele CA410210249.

ClinVar aggregate classification (germline): Uncertain significance. Review status: criteria provided, multiple submitters, no conflicts (2 of 4 stars). 2 submissions from 2 submitters: Uncertain significance (2). Last evaluated 2025-07-15.

Conditions:
Immunodeficiency 51 (IMD51). Also called: CANDIDIASIS, FAMILIAL, 5. Identifiers: Orphanet 1334, MedGen C4310803, MONDO:0013500, OMIM 613953.

Allele frequency attached by ClinVar (database versions not stated): gnomAD exomes below 0.00001.
gnomAD v4.1: 2 of 1,531,788 alleles (0.00013%); highest among the groups gnomAD compares: Non-Finnish European, 0.00017%; no homozygotes.

Submissions (2):

Ambry Genetics
Classification: Uncertain significance. Last evaluated: 2025-07-15. Review status: criteria provided, single submitter. Criteria: Ambry Variant Classification Scheme 2023. Collection method: clinical testing. Allele origin: germline.

Labcorp Genetics (formerly Invitae), Labcorp
Classification: Uncertain significance for Immunodeficiency 51. Last evaluated: 2020-03-01. Review status: criteria provided, single submitter. Criteria: Invitae Variant Classification Sherloc (09022015). Collection method: clinical testing. Allele origin: germline.
Comment: This sequence change replaces leucine with valine at codon 36 of the IL17RA protein (p.Leu36Val). The leucine residue is moderately conserved and there is a small physicochemical difference between leucine and valine. The frequency data for this variant in the population databases is considered unreliable, as metrics indicate insufficient coverage at this position in the ExAC database. This variant has not been reported in the literature in individuals with IL17RA-related conditions. Algorithms developed to predict the effect of missense changes on protein structure and function are either unavailable or do not agree on the potential impact of this missense change (SIFT: "Deleterious"; PolyPhen-2: "Probably Damaging"; Align-GVGD: "Class C0"). In summary, the available evidence is currently insufficient to determine the role of this variant in disease. Therefore, it has been classified as a Variant of Uncertain Significance.